The following is an entry in ClinVar:

ClinVar aggregate classification (germline): Uncertain significance (1 of 4 stars; one submission).

Allele frequency attached by ClinVar (database versions not stated): gnomAD exomes 0.00001; gnomAD 0.00003; ExAC 0.00011.
gnomAD v4.1: 15 of 1,561,830 alleles (0.00096%); highest among the groups gnomAD compares: Admixed American, 0.0056%; no homozygotes.

Submission:

Labcorp Genetics (formerly Invitae), Labcorp
Classification: Uncertain significance. Last evaluated: 2024-07-05. Review status: criteria provided, single submitter. Criteria: Invitae Variant Classification Sherloc (09022015). Collection method: clinical testing. Allele origin: germline.
Comment: This sequence change replaces arginine, which is basic and polar, with histidine, which is basic and polar, at codon 83 of the RAX2 protein (p.Arg83His). The frequency data for this variant in the population databases is considered unreliable, as metrics indicate poor data quality at this position in the gnomAD database. This variant has not been reported in the literature in individuals affected with RAX2-related conditions. An algorithm developed to predict the effect of missense changes on protein structure and function (PolyPhen-2) suggests that this variant is likely to be disruptive. In summary, the available evidence is currently insufficient to determine the role of this variant in disease. Therefore, it has been classified as a Variant of Uncertain Significance.

NM_001319074.4(RAX2):c.248G>A (p.Arg83His)

Gene: RAX2 (retina and anterior neural fold homeobox 2; minus strand). Cytogenetic location: 19p13.3.
Variant type: single nucleotide variant.
Coding change: c.248G>A on transcript NM_001319074.4 (MANE Select); coding-DNA position 248, G replaced by A.
Protein change: p.Arg83His; replaces arginine 83 with histidine.
Molecular consequence: missense variant.
Genome position (GRCh38, 1-based): chr19:3,770,928, C>T on the plus strand (G>A on the coding strand, the complement: RAX2 is on the minus strand). VCF-style: chr19-3770928-C-T. GRCh37 (hg19) VCF-style: chr19-3770926-C-T.
Other names: c.248G>A, p.Arg83His (NM_032753.4); short protein forms R83H.
Identifiers: ClinVar variation 3011494 (VCV003011494.3), dbSNP rs749374386, ClinGen allele CA9085062.